The following is an entry in ClinVar:

ClinVar aggregate classification (germline): Uncertain significance. Review status: reviewed by expert panel (3 of 4 stars). 3 submissions from 3 submitters: Uncertain significance (1). 2 of the submissions do not count toward it. Last evaluated 2024-08-01.

Conditions:
Maturity-onset diabetes of the young (MODY). Also called: Maturity onset diabetes mellitus in young. Identifiers: Orphanet 552, MedGen C0342276, MONDO:0018911, HP:0004904.
Monogenic diabetes. Identifiers: Orphanet 183625, MedGen C3888631, MONDO:0015967.

gnomAD v4.1: 19 of 1,592,536 alleles (0.0012%); highest among the groups gnomAD compares: Non-Finnish European, 0.0016%; no homozygotes.

Submissions (3):

ClinGen Monogenic Diabetes Variant Curation Expert Panel
Classification: Uncertain significance for Monogenic diabetes. Last evaluated: 2024-08-01. Review status: reviewed by expert panel. Criteria: ClinGen Diabetes ACMG Specifications HNF4A V2.0.0. Collection method: curation. Allele origin: germline. Inheritance: Autosomal dominant inheritance.
Comment: The c.670+18C>A variant in the hepatocyte nuclear factor 4 alpha gene, HNF4A, is a single nucleotide variant within intron 6 of NM_175914.5. This variant is absent in gnomAD v2.1.1 (PM2_Supporting). However, the computational splicing predictor SpliceAI gives a score of 0.00 for donor loss, suggesting that this variant has no impact on splicing (BP4). In summary, c.670+18C>A meets the criteria to be classified as a variant of uncertain significance for monogenic diabetes. ACMG/AMP criteria applied, as specified by the ClinGen MDEP (specification version 2.0.0, approved 10/11/2023): PM2_Supporting, BP4.

Clinical Genomics, Uppaluri K&H Personalized Medicine Clinic
Classification: Benign for Maturity-onset diabetes of the young. Review status: criteria provided, single submitter. Criteria: K & H Uppaluri Personalized Medicine Clinic Variant Classification & Assertion Criteria_Updated V.1. Collection method: research. Allele origin: unknown. Inheritance: Autosomal dominant inheritance. Not counted in ClinVar's aggregate classification.
Comment: Potent mutations in HNF4A are associated with poor insulin secretion in response to hyperglycemia. Associated with MODY1. Patients initially respond well to sulfonylureas but eventually become insulin dependent. However, more evidence is required to ascertain the role of this particular variant rs751211080 in MODY, yet.

PreventionGenetics, part of Exact Sciences
Classification: Likely benign. Review status: criteria provided, single submitter. Criteria: ACMG Guidelines, 2015. Collection method: clinical testing. Allele origin: germline. Not counted in ClinVar's aggregate classification.

Literature cited by the submitters: PubMed 18268044 (cited by Clinical Genomics, Uppaluri K&H Personalized Medicine Clinic); PubMed 17563455 (cited by Clinical Genomics, Uppaluri K&H Personalized Medicine Clinic); PubMed 32583173 (cited by Clinical Genomics, Uppaluri K&H Personalized Medicine Clinic); PubMed 35052457 (cited by Clinical Genomics, Uppaluri K&H Personalized Medicine Clinic); PubMed 35118593 (cited by Clinical Genomics, Uppaluri K&H Personalized Medicine Clinic); DOI 10.1159/000334532 (cited by Clinical Genomics, Uppaluri K&H Personalized Medicine Clinic).

NM_175914.5(HNF4A):c.670+18C>A

Gene: HNF4A (hepatocyte nuclear factor 4 alpha; plus strand). Cytogenetic location: 20q13.12.
Variant type: single nucleotide variant.
Coding change: c.670+18C>A on transcript NM_175914.5 (MANE Select); 18 bases into the intron after coding-DNA position 670, C replaced by A.
Molecular consequence: intron variant.
Genome position (GRCh38, 1-based): chr20:44,418,530, C>A. VCF-style: chr20-44418530-C-A. GRCh37 (hg19) VCF-style: chr20-43047170-C-A.
Other names: c.661+18C>A (NM_001287182.2, NM_001287183.2, NM_001287184.2); c.670+18C>A (NM_001030003.3, NM_001030004.3); c.715+18C>A (NM_001258355.2); c.736+18C>A (NM_178849.3, NM_000457.6, NM_178850.3).
Identifiers: ClinVar variation 262915 (VCV000262915.4), dbSNP rs751211080, ClinGen allele CA10587354.